The following is an entry in ClinVar:

ClinVar aggregate classification (germline): Benign. Review status: criteria provided, multiple submitters, no conflicts (2 of 4 stars). 2 submissions from 2 submitters: Benign (2). Last evaluated 2018-06-14.

Allele frequency attached by ClinVar (database versions not stated): gnomAD exomes 0.02778; gnomAD 0.04744 and 0.04809; TOPMed 0.05124; 1000 Genomes Project 30x 0.05224; 1000 Genomes Project 0.05272.
gnomAD v4.1: 31,649 of 1,042,695 alleles (3%); highest among the groups gnomAD compares: African/African-American, 11%; 544 homozygotes.

Submissions (2):

GeneDx
Classification: Benign. Last evaluated: 2018-06-14. Review status: criteria provided, single submitter. Criteria: GeneDx Variant Classification (06012015). Collection method: clinical testing. Allele origin: germline. Affected: yes.
Comment: This variant is considered likely benign or benign based on one or more of the following criteria: it is a conservative change, it occurs at a poorly conserved position in the protein, it is predicted to be benign by multiple in silico algorithms, and/or has population frequency not consistent with disease.

Breakthrough Genomics
Classification: Benign. Review status: criteria provided, single submitter. Criteria: ACMG Guidelines, 2015. Collection method: not provided. Allele origin: germline. Inheritance: X-linked inheritance. Affected: yes.

NM_004006.3(DMD):c.1331+55A>G

Gene: DMD (dystrophin; minus strand). Cytogenetic location: Xp21.1.
Variant type: single nucleotide variant.
Coding change: c.1331+55A>G on transcript NM_004006.3 (MANE Select); 55 bases into the intron after coding-DNA position 1331, A replaced by G.
Molecular consequence: intron variant.
Genome position (GRCh38, 1-based): chrX:32,644,077, T>C on the plus strand (A>G on the coding strand, the complement: DMD is on the minus strand). VCF-style: chrX-32644077-T-C. GRCh37 (hg19) VCF-style: chrX-32662194-T-C.
Other names: c.1307+55A>G (NM_000109.4); c.1319+55A>G (NM_004009.3); c.962+55A>G (NM_004010.3).
Identifiers: ClinVar variation 671394 (VCV000671394.2), dbSNP rs6628728, ClinGen allele CA328544718.